The following is an entry in ClinVar:

NM_000278.5(PAX2):c.257C>T (p.Ser86Phe)

Gene: PAX2 (paired box 2; plus strand). Cytogenetic location: 10q24.31.
Variant type: single nucleotide variant.
Coding change: c.257C>T on transcript NM_000278.5 (MANE Select); coding-DNA position 257, C replaced by T.
Protein change: p.Ser86Phe; replaces serine 86 with phenylalanine.
Molecular consequence: missense variant.
Genome position (GRCh38, 1-based): chr10:100,750,738, C>T. VCF-style: chr10-100750738-C-T. GRCh37 (hg19) VCF-style: chr10-102510495-C-T.
Other names: c.350C>T, p.Ser117Phe (NM_001304569.2); c.257C>T, p.Ser86Phe (NM_003987.5, NM_003988.5, NM_003989.5 and 1 more transcripts); short protein forms S117F, S86F.
Identifiers: ClinVar variation 3601975 (VCV003601975.1).

ClinVar aggregate classification (germline): Uncertain significance (1 of 4 stars; one submission).

Conditions:
Focal segmental glomerulosclerosis 7 (FSGS7). Identifiers: Orphanet 656, MedGen C4014925, MONDO:0014451, OMIM 616002.

Submission:

MVZ Medizinische Genetik Mainz
Classification: Uncertain significance for Focal segmental glomerulosclerosis 7. Last evaluated: 2024-12-13. Review status: criteria provided, single submitter. Criteria: UK Practice Guidelines For Variant Classification V4 01 2020. Collection method: clinical testing. Allele origin: germline. Inheritance: Autosomal dominant inheritance. Affected: yes. Observed: 1 variant allele.
Comment: ACMG Criteria: PM1,PP3_MOD,PM2_SUP